The following is an entry in ClinVar:

NM_020928.2(ZSWIM6):c.1669C>A (p.Arg557Ser)

Gene: ZSWIM6 (zinc finger SWIM-type containing 6; plus strand). Cytogenetic location: 5q12.1.
Variant type: single nucleotide variant.
Coding change: c.1669C>A on transcript NM_020928.2 (MANE Select); coding-DNA position 1669, C replaced by A.
Protein change: p.Arg557Ser; replaces arginine 557 with serine.
Molecular consequence: missense variant.
Genome position (GRCh38, 1-based): chr5:61,525,955, C>A. VCF-style: chr5-61525955-C-A. GRCh37 (hg19) VCF-style: chr5-60821782-C-A.
Other names: short protein forms R557S.
Identifiers: ClinVar variation 3646449 (VCV003646449.2).

ClinVar aggregate classification (germline): Uncertain significance (1 of 4 stars; one submission).

gnomAD v4.1: 2 of 1,552,144 alleles (0.00013%); highest among the groups gnomAD compares: Non-Finnish European, 0.000087%; no homozygotes.

Submission:

Labcorp Genetics (formerly Invitae), Labcorp
Classification: Uncertain significance. Last evaluated: 2024-03-17. Review status: criteria provided, single submitter. Criteria: Invitae Variant Classification Sherloc (09022015). Collection method: clinical testing. Allele origin: germline.
Comment: This sequence change replaces arginine, which is basic and polar, with serine, which is neutral and polar, at codon 557 of the ZSWIM6 protein (p.Arg557Ser). This variant is not present in population databases (gnomAD no frequency). This variant has not been reported in the literature in individuals affected with ZSWIM6-related conditions. An algorithm developed to predict the effect of missense changes on protein structure and function (PolyPhen-2) suggests that this variant is likely to be tolerated. In summary, the available evidence is currently insufficient to determine the role of this variant in disease. Therefore, it has been classified as a Variant of Uncertain Significance.